The following is an entry in ClinVar:

NM_000083.3(CLCN1):c.91A>G (p.Thr31Ala)

Gene: CLCN1 (chloride voltage-gated channel 1; plus strand). Cytogenetic location: 7q34.
Variant type: single nucleotide variant.
Coding change: c.91A>G on transcript NM_000083.3 (MANE Select); coding-DNA position 91, A replaced by G.
Protein change: p.Thr31Ala; replaces threonine 31 with alanine.
Molecular consequence: missense variant. On other transcripts: non-coding transcript variant (1).
Genome position (GRCh38, 1-based): chr7:143,316,303, A>G. VCF-style: chr7-143316303-A-G. GRCh37 (hg19) VCF-style: chr7-143013396-A-G.
Other names: short protein forms T31A.
Identifiers: ClinVar variation 1408488 (VCV001408488.8), dbSNP rs756977743, ClinGen allele CA4536818.

ClinVar aggregate classification (germline): Uncertain significance (1 of 4 stars; one submission).

Conditions:
Congenital myotonia, autosomal recessive form. Also called: BECKER DISEASE; Becker Generalized Myotonia; myotonia congenita, autosomal recessive. Identifiers: Orphanet 614, MedGen C0751360, MONDO:0009715, OMIM 255700.
Congenital myotonia, autosomal dominant form (THD). Also called: THOMSEN DISEASE; Myotonia congenita autosomal dominant. Identifiers: Orphanet 614, MedGen C2936781, MONDO:0008055, OMIM 160800.

Allele frequency attached by ClinVar (database versions not stated): gnomAD exomes below 0.00001; TOPMed below 0.00001; gnomAD 0.00001.
gnomAD v4.1: 4 of 1,613,712 alleles (0.00025%); highest among the groups gnomAD compares: Non-Finnish European, 0.00034%; no homozygotes.

Submission:

Labcorp Genetics (formerly Invitae), Labcorp
Classification: Uncertain significance for Congenital myotonia, autosomal recessive form; Congenital myotonia, autosomal dominant form. Last evaluated: 2020-12-08. Review status: criteria provided, single submitter. Criteria: Invitae Variant Classification Sherloc (09022015). Collection method: clinical testing. Allele origin: germline.
Comment: In summary, the available evidence is currently insufficient to determine the role of this variant in disease. Therefore, it has been classified as a Variant of Uncertain Significance. Algorithms developed to predict the effect of missense changes on protein structure and function are either unavailable or do not agree on the potential impact of this missense change (SIFT: "Tolerated"; PolyPhen-2: "Possibly Damaging"; Align-GVGD: "Class C0"). This variant has not been reported in the literature in individuals with CLCN1-related conditions. The frequency data for this variant in the population databases is considered unreliable, as metrics indicate poor data quality at this position in the ExAC database. This sequence change replaces threonine with alanine at codon 31 of the CLCN1 protein (p.Thr31Ala). The threonine residue is moderately conserved and there is a small physicochemical difference between threonine and alanine.